The following is an entry in ClinVar:

ClinVar aggregate classification (germline): Uncertain significance (1 of 4 stars; one submission).

Conditions:
POLD1-related polyposis and colorectal cancer syndrome (CRCS10). Also called: Colorectal cancer 10; COLORECTAL CANCER, SUSCEPTIBILITY TO, ON CHROMOSOME 19q; Colorectal cancer, susceptibility to, 10. Identifiers: Orphanet 220460, MedGen C2675481, MONDO:0012953, OMIM 612591.

Submission:

Labcorp Genetics (formerly Invitae), Labcorp
Classification: Uncertain significance for POLD1-related polyposis and colorectal cancer syndrome. Last evaluated: 2024-11-10. Review status: criteria provided, single submitter. Criteria: Invitae Variant Classification Sherloc (09022015). Collection method: clinical testing. Allele origin: germline.
Comment: This sequence change falls in intron 7 of the POLD1 gene. It does not directly change the encoded amino acid sequence of the POLD1 protein. Information on the frequency of this variant in the gnomAD database is not available, as this variant may be reported differently in the database. This variant has not been reported in the literature in individuals affected with POLD1-related conditions. Experimental studies and prediction algorithms are not available or were not evaluated, and the effect of this variant on mRNA splicing is currently unknown. In summary, the available evidence is currently insufficient to determine the role of this variant in disease. Therefore, it has been classified as a Variant of Uncertain Significance.

NM_002691.4(POLD1):c.840+20_840+21delinsCC

Gene: POLD1 (DNA polymerase delta 1, catalytic subunit; plus strand). Cytogenetic location: 19q13.33.
Variant type: Indel.
Coding change: c.840+20_840+21delinsCC on transcript NM_002691.4 (MANE Select); bases 20 to 21 of the intron after coding-DNA position 840, AG replaced by CC.
Molecular consequence: intron variant.
Genome position (GRCh38, 1-based): chr19:50,402,555-50,402,556, AG replaced by CC. VCF-style: chr19-50402555-AG-CC. GRCh37 (hg19) VCF-style: chr19-50905812-AG-CC.
Other names: c.840+20_840+21delinsCC (NM_001256849.1, NM_001308632.1).
Identifiers: ClinVar variation 3724949 (VCV003724949.2).
Genomic context (GRCh38, chr19:50,402,555, plus strand): 5'-AGCTCCCAGCTGGGAAATACGCCCTGAGGCTGAAGGAGAAGGTGCAGGGCTTCCCAGGGC[AG>CC]GGCTGGGTGGGGAGCTGGTACCCTGCTGCCACCGCTGACCCACCCATGCCCACAGGCTAC-3'